The following is an entry in ClinVar:

NM_001378457.1(DMXL2):c.8069T>C (p.Val2690Ala)

Gene: DMXL2 (Dmx like 2; minus strand). Cytogenetic location: 15q21.2.
Variant type: single nucleotide variant.
Coding change: c.8069T>C on transcript NM_001378457.1 (MANE Select); coding-DNA position 8069, T replaced by C.
Protein change: p.Val2690Ala; replaces valine 2690 with alanine.
Molecular consequence: missense variant. On other transcripts: non-coding transcript variant (2).
Genome position (GRCh38, 1-based): chr15:51,458,716, A>G on the plus strand (T>C on the coding strand, the complement: DMXL2 is on the minus strand). VCF-style: chr15-51458716-A-G. GRCh37 (hg19) VCF-style: chr15-51750913-A-G.
Other names: c.8006T>C, p.Val2669Ala (NM_001174116.3); c.6095T>C, p.Val2032Ala (NM_001174117.3); c.8066T>C, p.Val2689Ala (NM_001378458.1); c.7781T>C, p.Val2594Ala (NM_001378459.1); c.5984T>C, p.Val1995Ala (NM_001378460.1); c.8003T>C, p.Val2668Ala (NM_015263.5); short protein forms V2032A, V2594A, V1995A, V2690A, V2669A, V2689A, V2668A.
Identifiers: ClinVar variation 4744329 (VCV004744329.1).
Genomic context (GRCh38, chr15:51,458,716, plus strand): 5'-TAAGCAATTTCACTAAGGAGAAATACACTGTGTATAATGATGAGAGCTTTTACCTTATTA[A>G]CAGAAAATGCCATGATCATATCAGATTCCTTATGGATGACTTTCGCCTTTCCACCTGGAT-3'
Protein context (NP_001365386.1, residues 2680-2700): KESDMIMAFS[Val2690Ala]NKANCNEIVL

ClinVar aggregate classification (germline): Uncertain significance (1 of 4 stars; one submission).

gnomAD v4.1: 2 of 1,614,058 alleles (0.00012%); highest among the groups gnomAD compares: Admixed American, 0.0033%; no homozygotes.

Submission:

Labcorp Genetics (formerly Invitae), Labcorp
Classification: Uncertain significance. Last evaluated: 2025-07-19. Review status: criteria provided, single submitter. Criteria: Invitae Variant Classification Sherloc (09022015). Collection method: clinical testing. Allele origin: germline.
Comment: This sequence change replaces valine, which is neutral and non-polar, with alanine, which is neutral and non-polar, at codon 2669 of the DMXL2 protein (p.Val2669Ala). This variant is present in population databases (rs772024052, gnomAD 0.006%). This variant has not been reported in the literature in individuals affected with DMXL2-related conditions. An algorithm developed to predict the effect of missense changes on protein structure and function (PolyPhen-2) suggests that this variant is likely to be tolerated. In summary, the available evidence is currently insufficient to determine the role of this variant in disease. Therefore, it has been classified as a Variant of Uncertain Significance.